The following is an entry in ClinVar:

ClinVar aggregate classification (germline): Uncertain significance (1 of 4 stars; one submission).

Submission:

Dasa
Classification: Uncertain significance. Last evaluated: 2025-11-03. Review status: criteria provided, single submitter. Criteria: DASA Assertion Criteria. Collection method: clinical testing. Allele origin: germline.
Comment: NM_006922.4(SCN3A):c.2812C>A (p.Arg938Ser) is a missense variant that results in the substitution of arginine with serine. This variant is absent from population databases. Computational prediction algorithms are consistent with a deleterious effect. The currently available literature and clinical evidence are not sufficient to establish a definitive association between this variant and the reported condition. Therefore, this variant is classified as a variant of uncertain significance.

NM_006922.4(SCN3A):c.2812C>A (p.Arg938Ser)

Gene: SCN3A (sodium voltage-gated channel alpha subunit 3; minus strand). Cytogenetic location: 2q24.3.
Variant type: single nucleotide variant.
Coding change: c.2812C>A on transcript NM_006922.4 (MANE Select); coding-DNA position 2812, C replaced by A.
Protein change: p.Arg938Ser; replaces arginine 938 with serine.
Molecular consequence: missense variant.
Genome position (GRCh38, 1-based): chr2:165,130,050, G>T on the plus strand (C>A on the coding strand, the complement: SCN3A is on the minus strand). VCF-style: chr2-165130050-G-T. GRCh37 (hg19) VCF-style: chr2-165986560-G-T.
Other names: c.2665C>A, p.Arg889Ser (NM_001081676.2, NM_001081677.2); short protein forms R889S, R938S.
Identifiers: ClinVar variation 4881946 (VCV004881946.2).